The following is an entry in ClinVar:

ClinVar aggregate classification (germline): Conflicting classifications of pathogenicity. Review status: criteria provided, conflicting classifications (1 of 4 stars). 5 submissions from 5 submitters: Uncertain significance (1); Likely benign (4). Last evaluated 2026-03-01.

Conditions:
Cardiovascular phenotype. Identifiers: MedGen CN230736.
Autosomal recessive limb-girdle muscular dystrophy type 2J (LGMDR10). Also called: Limb-girdle muscular dystrophy, type 2J; MUSCULAR DYSTROPHY, LIMB-GIRDLE, AUTOSOMAL RECESSIVE 10. Identifiers: Orphanet 140922, MedGen C1837342, MONDO:0012127, OMIM 608807.
Dilated cardiomyopathy 1G (CMD1G). Identifiers: Orphanet 154, MedGen C1858763, MONDO:0011400, OMIM 604145.

Allele frequency attached by ClinVar (database versions not stated): ESP Exome Variant Server 0.00008; gnomAD 0.00008 and 0.00009; TOPMed 0.00009; gnomAD exomes 0.00010; ExAC 0.00011.
gnomAD v4.1: 61 of 1,613,528 alleles (0.0038%); highest among the groups gnomAD compares: Admixed American, 0.042%; no homozygotes.

Submissions (5):

CeGaT Center for Human Genetics Tuebingen
Classification: Likely benign. Last evaluated: 2026-03-01. Review status: criteria provided, single submitter. Criteria: CeGaT Center For Human Genetics Tuebingen Variant Classification Criteria Version 2. Collection method: clinical testing. Allele origin: germline. Affected: yes. Observed: 1 variant allele.
Comment: TTN: BP4, BP7

Labcorp Genetics (formerly Invitae), Labcorp
Classification: Likely benign for Dilated cardiomyopathy 1G; Autosomal recessive limb-girdle muscular dystrophy type 2J. Last evaluated: 2025-12-01. Review status: criteria provided, single submitter. Criteria: Invitae Variant Classification Sherloc (09022015). Collection method: clinical testing. Allele origin: germline.

Blueprint Genetics
Classification: Likely benign. Last evaluated: 2024-06-13. Review status: criteria provided, single submitter. Criteria: ACMG Guidelines, 2015. Collection method: clinical testing. Allele origin: germline.

Ambry Genetics
Classification: Likely benign for Cardiovascular phenotype. Last evaluated: 2021-10-13. Review status: criteria provided, single submitter. Criteria: Ambry Variant Classification Scheme 2023. Collection method: clinical testing. Allele origin: germline.

Revvity Omics, Revvity
Classification: Uncertain significance. Last evaluated: 2019-06-27. Review status: criteria provided, single submitter. Criteria: ACMG Guidelines, 2015. Collection method: clinical testing. Allele origin: germline.

NM_001267550.2(TTN):c.82488C>T (p.Asp27496=)

Genes: TTN (titin; minus strand), TTN-AS1 (TTN antisense RNA 1; plus strand). Cytogenetic location: 2q31.2.
Variant type: single nucleotide variant.
Coding change: c.82488C>T on transcript NM_001267550.2 (MANE Select); coding-DNA position 82488, C replaced by T.
Protein change: p.Asp27496=; no amino-acid change (aspartic acid 27496 retained).
Molecular consequence: synonymous variant.
Genome position (GRCh38, 1-based): chr2:178,563,644, G>A on the plus strand (C>T on the coding strand, the complement: TTN is on the minus strand). VCF-style: chr2-178563644-G-A. GRCh37 (hg19) VCF-style: chr2-179428371-G-A.
Other names: c.77565C>T, p.Asp25855= (NM_001256850.1); c.55293C>T, p.Asp18431= (NM_003319.4); c.74784C>T, p.Asp24928= (NM_133378.4); c.55668C>T, p.Asp18556= (NM_133432.3); c.55869C>T, p.Asp18623= (NM_133437.4).
Identifiers: ClinVar variation 699922 (VCV000699922.20), dbSNP rs373909196, ClinGen allele CA1989061.
Genomic context (GRCh38, chr2:178,563,644, plus strand): 5'-CCATCTAACGCCTTCCTTATCTCGTTTTTCAAGAATGTAGCCCTCAATTTCGGTACCTCC[G>A]TCGTCTACTGGGCGTGCCCATGTTACTACCATAGAATCTTTGGTGATTGCTGAGACTTCA-3'
Protein context (NP_001254479.2, residues 27486-27506): MVVTWARPVD[Asp27496=]GGTEIEGYIL